The following is an entry in ClinVar:

ClinVar aggregate classification (germline): Uncertain significance (1 of 4 stars; one submission).

Conditions:
KBG syndrome (KBGS). Also called: ANKRD11-Related KBG Syndrome. Identifiers: Orphanet 2332, MedGen C0220687, MONDO:0007846, OMIM 148050.

gnomAD v4.1: 11 of 1,525,594 alleles (0.00072%); highest among the groups gnomAD compares: Admixed American, 0.0059%; no homozygotes.

Submission:

Labcorp Genetics (formerly Invitae), Labcorp
Classification: Uncertain significance for KBG syndrome. Last evaluated: 2025-10-11. Review status: criteria provided, single submitter. Criteria: Invitae Variant Classification Sherloc (09022015). Collection method: clinical testing. Allele origin: germline.
Comment: This sequence change replaces alanine, which is neutral and non-polar, with threonine, which is neutral and polar, at codon 2266 of the ANKRD11 protein (p.Ala2266Thr). This variant is present in population databases (no rsID available, gnomAD 0.004%). This variant has not been reported in the literature in individuals affected with ANKRD11-related conditions. Invitae Evidence Modeling of protein sequence and biophysical properties (such as structural, functional, and spatial information, amino acid conservation, physicochemical variation, residue mobility, and thermodynamic stability) indicates that this missense variant is not expected to disrupt ANKRD11 protein function with a negative predictive value of 95%. In summary, the available evidence is currently insufficient to determine the role of this variant in disease. Therefore, it has been classified as a Variant of Uncertain Significance.

NM_013275.6(ANKRD11):c.6796G>A (p.Ala2266Thr)

Gene: ANKRD11 (ankyrin repeat domain 11; minus strand). Cytogenetic location: 16q24.3.
Variant type: single nucleotide variant.
Coding change: c.6796G>A on transcript NM_013275.6 (MANE Select); coding-DNA position 6796, G replaced by A.
Protein change: p.Ala2266Thr; replaces alanine 2266 with threonine.
Molecular consequence: missense variant.
Genome position (GRCh38, 1-based): chr16:89,279,746, C>T on the plus strand (G>A on the coding strand, the complement: ANKRD11 is on the minus strand). VCF-style: chr16-89279746-C-T. GRCh37 (hg19) VCF-style: chr16-89346154-C-T.
Other names: c.6796G>A, p.Ala2266Thr (NM_001256182.2, NM_001256183.2); short protein forms A2266T.
Identifiers: ClinVar variation 4809356 (VCV004809356.1).
Genomic context (GRCh38, chr16:89,279,746, plus strand): 5'-CTGCGGCCTGAGCTTGTGCCACAGTGTTCGGGGCGGGGCCGTCAGGGGCACAGAGGGACG[C>T]GGCGGGGGGGCCTTCAGCCTCAGCCCCCTGGTCTCCGCTCCCCAGTGGGCGCTGTTCTGG-3'
Protein context (NP_037407.4, residues 2256-2276): QGAEAEGPPA[Ala2266Thr]SLCAPDGPAP